The following is an entry in ClinVar:

NM_001276345.2(TNNT2):c.391G>C (p.Val131Leu)

Gene: TNNT2 (troponin T2, cardiac type; minus strand). Cytogenetic location: 1q32.1.
Variant type: single nucleotide variant.
Coding change: c.391G>C on transcript NM_001276345.2 (MANE Select); coding-DNA position 391, G replaced by C.
Protein change: p.Val131Leu; replaces valine 131 with leucine.
Molecular consequence: missense variant. On other transcripts: intron variant (1).
Genome position (GRCh38, 1-based): chr1:201,365,211, C>G on the plus strand (G>C on the coding strand, the complement: TNNT2 is on the minus strand). VCF-style: chr1-201365211-C-G. GRCh37 (hg19) VCF-style: chr1-201334339-C-G.
Other names: c.391G>C, p.Val131Leu (NM_000364.4); c.361G>C, p.Val121Leu (NM_001001430.3, NM_001001431.3, NM_001276347.2); c.346G>C, p.Val116Leu (NM_001001432.3); c.291+399G>C (NM_001276346.2); short protein forms V116L, V121L, V131L.
Identifiers: ClinVar variation 969453 (VCV000969453.10), dbSNP rs537067344, ClinGen allele CA344206226.
Genomic context (GRCh38, chr1:201,365,211, plus strand): 5'-GGCCATCAGAGAATGTTAGGTGGGCAGACTGGACACCTACGATCCTGTCTTTGAGAGAAA[C>G]GAGCTCCTCCTCCTCTTTCTTCCTGTTCTCAAAGTGAGCCTCGATCAGCGCCTGCAACTC-3'
Protein context (NP_001263274.1, residues 121-141): ENRKKEEEEL[Val131Leu]SLKDRIERRR

ClinVar aggregate classification (germline): Uncertain significance (1 of 4 stars; one submission).

Conditions:
Dilated cardiomyopathy 1D. Identifiers: Orphanet 154, Orphanet 54260, MedGen C1832243, MONDO:0011095, OMIM 601494.
Cardiomyopathy, familial restrictive, 3. Identifiers: Orphanet 75249, MedGen C2676271, MONDO:0012900, OMIM 612422.
Hypertrophic cardiomyopathy 2. Also called: TNNT2-Related Familial Hypertrophic Cardiomyopathy. Identifiers: MedGen C1861864, MONDO:0007266, OMIM 115195.

gnomAD v4.1: 1 of 1,614,058 alleles (0.000062%); highest among the groups gnomAD compares: Non-Finnish European, 0.000085%; no homozygotes.

Submission:

Labcorp Genetics (formerly Invitae), Labcorp
Classification: Uncertain significance for Cardiomyopathy, familial restrictive, 3; Hypertrophic cardiomyopathy 2; Dilated cardiomyopathy 1D. Last evaluated: 2022-07-19. Review status: criteria provided, single submitter. Criteria: Invitae Variant Classification Sherloc (09022015). Collection method: clinical testing. Allele origin: germline.
Comment: This sequence change replaces valine, which is neutral and non-polar, with leucine, which is neutral and non-polar, at codon 121 of the TNNT2 protein (p.Val121Leu). In summary, the available evidence is currently insufficient to determine the role of this variant in disease. Therefore, it has been classified as a Variant of Uncertain Significance. Algorithms developed to predict the effect of missense changes on protein structure and function output the following: SIFT: "Tolerated"; PolyPhen-2: "Benign"; Align-GVGD: "Class C0". The leucine amino acid residue is found in multiple mammalian species, which suggests that this missense change does not adversely affect protein function. ClinVar contains an entry for this variant (Variation ID: 969453). This variant has not been reported in the literature in individuals affected with TNNT2-related conditions. This variant is present in population databases (no rsID available, gnomAD 0.0009%).